The following is an entry in ClinVar:

NM_024596.5(MCPH1):c.1188C>A (p.His396Gln)

Gene: MCPH1 (microcephalin 1; plus strand). Cytogenetic location: 8p23.1.
Variant type: single nucleotide variant.
Coding change: c.1188C>A on transcript NM_024596.5 (MANE Select); coding-DNA position 1188, C replaced by A.
Protein change: p.His396Gln; replaces histidine 396 with glutamine.
Molecular consequence: missense variant. On other transcripts: non-coding transcript variant (1).
Genome position (GRCh38, 1-based): chr8:6,444,910, C>A. VCF-style: chr8-6444910-C-A. GRCh37 (hg19) VCF-style: chr8-6302431-C-A.
Other names: c.1188C>A, p.His396Gln (NM_001172574.2, NM_001322042.2, NM_001363979.1 and 1 more transcripts); c.1044C>A, p.His348Gln (NM_001172575.2); c.1182C>A, p.His394Gln (NM_001322043.2); c.1086C>A, p.His362Gln (NM_001322045.2); short protein forms H396Q, H348Q, H394Q, H362Q.
Identifiers: ClinVar variation 435834 (VCV000435834.10), dbSNP rs570511077, ClinGen allele CA4610484.

ClinVar aggregate classification (germline): Uncertain significance. Review status: criteria provided, multiple submitters, no conflicts (2 of 4 stars). 3 submissions from 3 submitters: Uncertain significance (3). Last evaluated 2022-03-01.

Conditions:
Microcephaly 1, primary, autosomal recessive (MCPH1). Also called: PREMATURE CHROMOSOME CONDENSATION SYNDROME; PCC SYNDROME; PREMATURE CHROMOSOME CONDENSATION WITH MICROCEPHALY AND MENTAL RETARDATION. Identifiers: Orphanet 2512, MedGen C1855081, MONDO:0009617, OMIM 251200.

Allele frequency attached by ClinVar (database versions not stated): TOPMed 0.00002.
gnomAD v4.1: 168 of 1,613,976 alleles (0.01%); highest among the groups gnomAD compares: Non-Finnish European, 0.014%; no homozygotes.

Submissions (3):

Labcorp Genetics (formerly Invitae), Labcorp
Classification: Uncertain significance. Last evaluated: 2022-03-01. Review status: criteria provided, single submitter. Criteria: Invitae Variant Classification Sherloc (09022015). Collection method: clinical testing. Allele origin: germline.
Comment: This sequence change replaces histidine, which is basic and polar, with glutamine, which is neutral and polar, at codon 396 of the MCPH1 protein (p.His396Gln). This variant is present in population databases (rs570511077, gnomAD 0.02%). This variant has not been reported in the literature in individuals affected with MCPH1-related conditions. ClinVar contains an entry for this variant (Variation ID: 435834). Algorithms developed to predict the effect of missense changes on protein structure and function are either unavailable or do not agree on the potential impact of this missense change (SIFT: "Not Available"; PolyPhen-2: "Benign"; Align-GVGD: "Not Available"). In summary, the available evidence is currently insufficient to determine the role of this variant in disease. Therefore, it has been classified as a Variant of Uncertain Significance.

Illumina Laboratory Services, Illumina
Classification: Uncertain significance for Microcephaly 1, primary, autosomal recessive. Last evaluated: 2018-01-13. Review status: criteria provided, single submitter. Criteria: ICSL Variant Classification Criteria 13 December 2019. Collection method: clinical testing. Allele origin: germline.

Genetic Services Laboratory, University of Chicago
Classification: Uncertain significance. Last evaluated: 2015-10-15. Review status: criteria provided, single submitter. Criteria: ACMG Guidelines, 2015. Collection method: clinical testing. Allele origin: germline. Affected: no.